The following is an entry in ClinVar:

NM_000532.5(PCCB):c.1262_1263del (p.Glu421fs)

Gene: PCCB (propionyl-CoA carboxylase subunit beta; plus strand). Cytogenetic location: 3q22.3.
Variant type: Deletion.
Coding change: c.1262_1263del on transcript NM_000532.5 (MANE Select); coding-DNA positions 1262 to 1263, 2 bases deleted (AG; older notation c.1262_1263delAG).
Protein change: p.Glu421fs; shifts the reading frame from glutamic acid 421.
Molecular consequence: frameshift variant.
Genome position (GRCh38, 1-based): chr3:136,327,218-136,327,219, AG deleted; deleting any 2 consecutive bases within chr3:136,327,217-136,327,219 gives the same sequence; the c. name uses the placement nearest the transcript's 3' end. VCF-style (leftmost placement, unchanged base first): chr3-136327216-TGA-T. GRCh37 (hg19) VCF-style: chr3-136046058-TGA-T.
Other names: c.1322_1323del, p.Glu441fs (NM_001178014.2); short protein forms E421fs, E441fs.
Identifiers: ClinVar variation 1724116 (VCV001724116.2), dbSNP rs2529972276, ClinGen allele CA2580068865.

ClinVar aggregate classification (germline): Likely pathogenic (1 of 4 stars; one submission).

Conditions:
Propionic acidemia (PROP). Also called: GLYCINEMIA, KETOTIC; HYPERGLYCINEMIA WITH KETOACIDOSIS AND LEUKOPENIA; KETOTIC HYPERGLYCINEMIA. Identifiers: Orphanet 35, MedGen C0268579, MONDO:0011628, OMIM 606054, HP:0003571.

Submission:

Myriad Genetics, Inc.
Classification: Likely pathogenic for Propionic acidemia. Last evaluated: 2022-01-25. Review status: criteria provided, single submitter. Criteria: Myriad Women's Health Autosomal Recessive and X-Linked Classification Criteria (2021). Collection method: clinical testing. Allele origin: unknown.
Comment: NM_000532.4(PCCB):c.1262_1263delAG(E421Gfs*19) is expected to be pathogenic in the context of PCCB-related propionic acidemia. This variant is predicted to lead to an abnormal or absent protein product due to the creation of a premature termination codon in PCCB, a gene where loss-of-function variants are known to be pathogenic. Please note: this variant was assessed in the context of healthy population screening.